The following is an entry in ClinVar:

NM_001164508.2(NEB):c.20241G>T (p.Lys6747Asn)

Gene: NEB (nebulin; minus strand). Cytogenetic location: 2q23.3.
Variant type: single nucleotide variant.
Coding change: c.20241G>T on transcript NM_001164508.2 (MANE Select); coding-DNA position 20241, G replaced by T.
Protein change: p.Lys6747Asn; replaces lysine 6747 with asparagine.
Molecular consequence: missense variant.
Genome position (GRCh38, 1-based): chr2:151,547,655, C>A on the plus strand (G>T on the coding strand, the complement: NEB is on the minus strand). VCF-style: chr2-151547655-C-A. GRCh37 (hg19) VCF-style: chr2-152404169-C-A.
Other names: c.20241G>T, p.Lys6747Asn (NM_001164507.2, NM_001271208.2); c.15138G>T, p.Lys5046Asn (NM_004543.5); short protein forms K5046N, K6747N.
Identifiers: ClinVar variation 1463098 (VCV001463098.5), dbSNP rs2153617719, ClinGen allele CA348783650.

ClinVar aggregate classification (germline): Uncertain significance (1 of 4 stars; one submission).

Conditions:
Nemaline myopathy 2 (NEM2). Also called: Nemaline myopathy 2, autosomal recessive. Identifiers: MedGen C1850569, MONDO:0009725, OMIM 256030.

gnomAD v4.1: 3 of 1,613,780 alleles (0.00019%); highest among the groups gnomAD compares: South Asian, 0.0033%; no homozygotes.

Submission:

Labcorp Genetics (formerly Invitae), Labcorp
Classification: Uncertain significance for Nemaline myopathy 2. Last evaluated: 2021-08-30. Review status: criteria provided, single submitter. Criteria: Invitae Variant Classification Sherloc (09022015). Collection method: clinical testing. Allele origin: germline.
Comment: This sequence change replaces lysine with asparagine at codon 6747 of the NEB protein (p.Lys6747Asn). The lysine residue is moderately conserved and there is a moderate physicochemical difference between lysine and asparagine. This variant is not present in population databases (ExAC no frequency). This variant has not been reported in the literature in individuals affected with NEB-related conditions. Algorithms developed to predict the effect of missense changes on protein structure and function are either unavailable or do not agree on the potential impact of this missense change (SIFT: "Deleterious"; PolyPhen-2: "Not Available"; Align-GVGD: "Class C0"). In summary, the available evidence is currently insufficient to determine the role of this variant in disease. Therefore, it has been classified as a Variant of Uncertain Significance.